The following is an entry in ClinVar:

ClinVar aggregate classification (germline): Uncertain significance (1 of 4 stars; one submission).

Submission:

GeneDx
Classification: Uncertain significance. Last evaluated: 2026-02-14. Review status: criteria provided, single submitter. Criteria: GeneDx Variant Classification Process June 2021. Collection method: clinical testing. Allele origin: germline.
Comment: Not observed at significant frequency in large population cohorts (gnomAD); In silico analysis supports that this missense variant has a deleterious effect on protein structure/function; Has not been previously published as pathogenic or benign to our knowledge; This variant is associated with the following publications: (PMID: 29493581)

NM_007373.4(SHOC2):c.1451C>T (p.Thr484Ile)

Gene: SHOC2 (SHOC2 leucine rich repeat scaffold protein; plus strand). Cytogenetic location: 10q25.2.
Variant type: single nucleotide variant.
Coding change: c.1451C>T on transcript NM_007373.4 (MANE Select); coding-DNA position 1451, C replaced by T.
Protein change: p.Thr484Ile; replaces threonine 484 with isoleucine.
Molecular consequence: missense variant. On other transcripts: non-coding transcript variant (1), intron variant (1).
Genome position (GRCh38, 1-based): chr10:111,009,741, C>T. VCF-style: chr10-111009741-C-T. GRCh37 (hg19) VCF-style: chr10-112769499-C-T.
Other names: c.1313C>T, p.Thr438Ile (NM_001269039.3, NM_001441186.1); c.1451C>T, p.Thr484Ile (NM_001324336.2, NM_001324337.2, NM_001441184.1 and 1 more transcripts); c.782C>T, p.Thr261Ile (NM_001441188.1); c.368C>T, p.Thr123Ile (NM_001441189.1, NM_001441190.1, NM_001441191.1); c.1422+356C>T (NM_001441187.1); short protein forms T123I, T261I, T438I, T484I.
Identifiers: ClinVar variation 4976349 (VCV004976349.1).